The following is an entry in ClinVar:

NM_014967.5(FAN1):c.2357T>G (p.Leu786Arg)

Genes: FAN1 (FANCD2 and FANCI associated nuclease 1; plus strand), MTMR10 (myotubularin related protein 10; minus strand). Cytogenetic location: 15q13.3.
Variant type: single nucleotide variant.
Coding change: c.2357T>G on transcript NM_014967.5 (MANE Select); coding-DNA position 2357, T replaced by G.
Protein change: p.Leu786Arg; replaces leucine 786 with arginine.
Molecular consequence: missense variant.
Genome position (GRCh38, 1-based): chr15:30,925,808, T>G. VCF-style: chr15-30925808-T-G. GRCh37 (hg19) VCF-style: chr15-31218011-T-G.
Other names: short protein forms L786R.
Identifiers: ClinVar variation 4883157 (VCV004883157.2).

ClinVar aggregate classification (germline): Uncertain significance (1 of 4 stars; one submission).

Submission:

Dasa
Classification: Uncertain significance. Last evaluated: 2025-08-05. Review status: criteria provided, single submitter. Criteria: DASA Assertion Criteria. Collection method: clinical testing. Allele origin: germline.
Comment: NM_014967.5(FAN1):c.2357T>G (p.Leu786Arg) is a missense variant that results in the substitution of leucine with arginine. This variant is absent from population databases. Computational prediction algorithms are consistent with a deleterious effect. The currently available literature and clinical evidence are not sufficient to establish a definitive association between this variant and the reported condition. Therefore, this variant is classified as a variant of uncertain significance.